The following is an entry in ClinVar:

NM_001080397.3(SLC45A1):c.418T>C (p.Leu140=)

Gene: SLC45A1 (solute carrier family 45 member 1; plus strand). Cytogenetic location: 1p36.23.
Variant type: single nucleotide variant.
Coding change: c.418T>C on transcript NM_001080397.3 (MANE Select); coding-DNA position 418, T replaced by C.
Protein change: p.Leu140=; no amino-acid change (leucine 140 retained).
Molecular consequence: synonymous variant. On other transcripts: intron variant (4).
Genome position (GRCh38, 1-based): chr1:8,325,318, T>C. VCF-style: chr1-8325318-T-C. GRCh37 (hg19) VCF-style: chr1-8385378-T-C.
Other names: c.418T>C, p.Leu140= (NM_001379614.1); c.398-500T>C (NM_001379615.1, NM_001379616.1); c.-116-500T>C (NM_001379617.1, NM_001379618.1).
Identifiers: ClinVar variation 3905784 (VCV003905784.10).

ClinVar aggregate classification (germline): Likely benign (1 of 4 stars; one submission).

Submission:

CeGaT Center for Human Genetics Tuebingen
Classification: Likely benign. Last evaluated: 2025-05-01. Review status: criteria provided, single submitter. Criteria: CeGaT Center For Human Genetics Tuebingen Variant Classification Criteria Version 2. Collection method: clinical testing. Allele origin: germline. Affected: yes. Observed: 1 variant allele.
Comment: SLC45A1: PM2:Supporting, BP4, BP7